The following is an entry in ClinVar:

NM_001040167.2(LFNG):c.506C>T (p.Ser169Leu)

Gene: LFNG (LFNG O-fucosylpeptide 3-beta-N-acetylglucosaminyltransferase; plus strand). Cytogenetic location: 7p22.3.
Variant type: single nucleotide variant.
Coding change: c.506C>T on transcript NM_001040167.2 (MANE Select); coding-DNA position 506, C replaced by T.
Protein change: p.Ser169Leu; replaces serine 169 with leucine.
Molecular consequence: missense variant.
Genome position (GRCh38, 1-based): chr7:2,525,243, C>T. VCF-style: chr7-2525243-C-T. GRCh37 (hg19) VCF-style: chr7-2564877-C-T.
Other names: c.506C>T, p.Ser169Leu (NM_001040168.2); c.293C>T, p.Ser98Leu (NM_001166355.2); c.119C>T, p.Ser40Leu (NM_002304.3); c.506C>T (NM_001040167.1); short protein forms S98L, S40L, S169L.
Identifiers: ClinVar variation 1358329 (VCV001358329.9), dbSNP rs371707730, ClinGen allele CA4126986.

ClinVar aggregate classification (germline): Uncertain significance (1 of 4 stars; one submission).

Conditions:
Spondylocostal dysostosis 3, autosomal recessive (SCDO3). Also called: LFNG-Related Spondylocostal Dysostosis, Autosomal Recessive. Identifiers: Orphanet 2311, MedGen C1853296, MONDO:0012349, OMIM 609813.

Allele frequency attached by ClinVar (database versions not stated): ExAC 0.00001; gnomAD 0.00001 and 0.00002; gnomAD exomes 0.00001 and 0.00003; TOPMed 0.00002; ESP Exome Variant Server 0.00008.
gnomAD v4.1: 42 of 1,612,772 alleles (0.0026%); highest among the groups gnomAD compares: East Asian, 0.0067%; no homozygotes.

Submission:

Labcorp Genetics (formerly Invitae), Labcorp
Classification: Uncertain significance for Spondylocostal dysostosis 3, autosomal recessive. Last evaluated: 2024-04-10. Review status: criteria provided, single submitter. Criteria: Invitae Variant Classification Sherloc (09022015). Collection method: clinical testing. Allele origin: germline.
Comment: This sequence change replaces serine, which is neutral and polar, with leucine, which is neutral and non-polar, at codon 169 of the LFNG protein (p.Ser169Leu). This variant is present in population databases (rs371707730, gnomAD 0.007%). This variant has not been reported in the literature in individuals affected with LFNG-related conditions. ClinVar contains an entry for this variant (Variation ID: 1358329). Advanced modeling of protein sequence and biophysical properties (such as structural, functional, and spatial information, amino acid conservation, physicochemical variation, residue mobility, and thermodynamic stability) performed at Invitae indicates that this missense variant is not expected to disrupt LFNG protein function with a negative predictive value of 80%. In summary, the available evidence is currently insufficient to determine the role of this variant in disease. Therefore, it has been classified as a Variant of Uncertain Significance.